The following is an entry in ClinVar:

NM_001170629.2(CHD8):c.4568C>T (p.Ser1523Leu)

Gene: CHD8 (chromodomain helicase DNA binding protein 8; minus strand). Cytogenetic location: 14q11.2.
Variant type: single nucleotide variant.
Coding change: c.4568C>T on transcript NM_001170629.2 (MANE Select); coding-DNA position 4568, C replaced by T.
Protein change: p.Ser1523Leu; replaces serine 1523 with leucine.
Molecular consequence: missense variant.
Genome position (GRCh38, 1-based): chr14:21,400,415, G>A on the plus strand (C>T on the coding strand, the complement: CHD8 is on the minus strand). VCF-style: chr14-21400415-G-A. GRCh37 (hg19) VCF-style: chr14-21868574-G-A.
Other names: c.3731C>T, p.Ser1244Leu (NM_020920.4); short protein forms S1244L, S1523L.
Identifiers: ClinVar variation 3680377 (VCV003680377.2).
Genomic context (GRCh38, chr14:21,400,415, plus strand): 5'-ACCTGAAAAGGATTAGATTAACCTATAGAAAAACATAAAGTAAAGAGTTGATAATTACCT[G>A]AATGATTCTGCAATTCTTTTGTCTTGCCATTTTCAGCTGGGCTAATCAAGTCCCAGATGA-3'
Protein context (NP_001164100.1, residues 1513-1533): NGKTKELQNH[Ser1523Leu]GLSIPVPRGR

ClinVar aggregate classification (germline): Uncertain significance (1 of 4 stars; one submission).

gnomAD v4.1: 1 of 1,600,248 alleles (0.000062%); highest among the groups gnomAD compares: Admixed American, 0.0018%; no homozygotes.

Submission:

Labcorp Genetics (formerly Invitae), Labcorp
Classification: Uncertain significance. Last evaluated: 2024-12-15. Review status: criteria provided, single submitter. Criteria: Invitae Variant Classification Sherloc (09022015). Collection method: clinical testing. Allele origin: germline.
Comment: This sequence change replaces serine, which is neutral and polar, with leucine, which is neutral and non-polar, at codon 1523 of the CHD8 protein (p.Ser1523Leu). This variant is present in population databases (no rsID available, gnomAD no frequency). This variant has not been reported in the literature in individuals affected with CHD8-related conditions. Invitae Evidence Modeling of protein sequence and biophysical properties (such as structural, functional, and spatial information, amino acid conservation, physicochemical variation, residue mobility, and thermodynamic stability) indicates that this missense variant is not expected to disrupt CHD8 protein function with a negative predictive value of 95%. In summary, the available evidence is currently insufficient to determine the role of this variant in disease. Therefore, it has been classified as a Variant of Uncertain Significance.